The following is an entry in ClinVar:

NM_001384900.1(SEMA3D):c.862-4T>G

Gene: SEMA3D (semaphorin 3D; minus strand). Cytogenetic location: 7q21.11.
Variant type: single nucleotide variant.
Coding change: c.862-4T>G on transcript NM_001384900.1 (MANE Select); 4 bases into the intron before coding-DNA position 862, T replaced by G.
Molecular consequence: intron variant.
Genome position (GRCh38, 1-based): chr7:85,042,289, A>C on the plus strand (T>G on the coding strand, the complement: SEMA3D is on the minus strand). VCF-style: chr7-85042289-A-C. GRCh37 (hg19) VCF-style: chr7-84671605-A-C.
Other names: c.862-4T>G (NM_001384901.1, NM_001384903.1, NM_001384902.1 and 1 more transcripts).
Identifiers: ClinVar variation 3350799 (VCV003350799.1).

ClinVar aggregate classification (germline): Likely benign (0 of 4 stars; one submission).

Conditions:
SEMA3D-related disorder. Also called: SEMA3D-related condition.

gnomAD v4.1: 3 of 1,580,022 alleles (0.00019%); no homozygotes.

Submission:

PreventionGenetics, part of Exact Sciences
Classification: Likely benign for SEMA3D-related condition. Last evaluated: 2024-07-22. Review status: no assertion criteria provided. Collection method: clinical testing. Allele origin: germline.
Comment: This variant is classified as likely benign based on ACMG/AMP sequence variant interpretation guidelines (Richards et al. 2015 PMID: 25741868, with internal and published modifications).